The following is an entry in ClinVar:

NM_022124.6(CDH23):c.5045C>A (p.Thr1682Asn)

Gene: CDH23 (cadherin related 23; plus strand). Cytogenetic location: 10q22.1.
Variant type: single nucleotide variant.
Coding change: c.5045C>A on transcript NM_022124.6 (MANE Select); coding-DNA position 5045, C replaced by A.
Protein change: p.Thr1682Asn; replaces threonine 1682 with asparagine.
Molecular consequence: missense variant.
Genome position (GRCh38, 1-based): chr10:71,777,879, C>A. VCF-style: chr10-71777879-C-A. GRCh37 (hg19) VCF-style: chr10-73537636-C-A.
Other names: short protein forms T1682N.
Identifiers: ClinVar variation 1045705 (VCV001045705.7), dbSNP rs1840855231, ClinGen allele CA377140425.

ClinVar aggregate classification (germline): Uncertain significance. Review status: criteria provided, single submitter (1 of 4 stars). 2 submissions from 2 submitters: Uncertain significance (1). 1 of the submissions does not count toward it. Last evaluated 2021-08-27.

Conditions:
Usher syndrome type 1 (USH1). Also called: RETINITIS PIGMENTOSA AND CONGENITAL DEAFNESS. Identifiers: Orphanet 231169, Orphanet 886, MedGen C1568247, MONDO:0010168, OMIM 276900.

Submissions (2):

Labcorp Genetics (formerly Invitae), Labcorp
Classification: Uncertain significance. Last evaluated: 2021-08-27. Review status: criteria provided, single submitter. Criteria: Invitae Variant Classification Sherloc (09022015). Collection method: clinical testing. Allele origin: germline.
Comment: This sequence change replaces threonine with asparagine at codon 1682 of the CDH23 protein (p.Thr1682Asn). The threonine residue is highly conserved and there is a small physicochemical difference between threonine and asparagine. This variant is not present in population databases (ExAC no frequency). This variant has not been reported in the literature in individuals affected with CDH23-related conditions. Algorithms developed to predict the effect of missense changes on protein structure and function are either unavailable or do not agree on the potential impact of this missense change (SIFT: "Deleterious"; PolyPhen-2: "Not Available"; Align-GVGD: "Class C55"). In summary, the available evidence is currently insufficient to determine the role of this variant in disease. Therefore, it has been classified as a Variant of Uncertain Significance.

Natera, Inc.
Classification: Uncertain significance for Usher syndrome type 1. Last evaluated: 2021-01-19. Review status: no assertion criteria provided. Collection method: clinical testing. Allele origin: germline. Not counted in ClinVar's aggregate classification.